The following is an entry in ClinVar:

NM_139318.5(KCNH5):c.472A>G (p.Asn158Asp)

Gene: KCNH5 (potassium voltage-gated channel subfamily H member 5; minus strand). Cytogenetic location: 14q23.2.
Variant type: single nucleotide variant.
Coding change: c.472A>G on transcript NM_139318.5 (MANE Select); coding-DNA position 472, A replaced by G.
Protein change: p.Asn158Asp; replaces asparagine 158 with aspartic acid.
Molecular consequence: missense variant.
Genome position (GRCh38, 1-based): chr14:62,987,149, T>C on the plus strand (A>G on the coding strand, the complement: KCNH5 is on the minus strand). VCF-style: chr14-62987149-T-C. GRCh37 (hg19) VCF-style: chr14-63453867-T-C.
Other names: c.472A>G, p.Asn158Asp (NM_172375.3); short protein forms N158D.
Identifiers: ClinVar variation 2073032 (VCV002073032.4), dbSNP rs767533990, ClinGen allele CA7217658.

ClinVar aggregate classification (germline): Uncertain significance (1 of 4 stars; one submission).

Conditions:
Early-infantile DEE. Also called: Ohtahara syndrome; Early infantile epileptic encephalopathy with suppression bursts; Early infantile epileptic encephalopathy. Identifiers: Orphanet 1934, MedGen C0393706, MONDO:0800491.

Allele frequency attached by ClinVar (database versions not stated): gnomAD 0.00001; TOPMed below 0.00001; ExAC 0.00001.
gnomAD v4.1: 1 of 1,613,442 alleles (0.000062%); highest among the groups gnomAD compares: African/African-American, 0.0013%; no homozygotes.

Submission:

Labcorp Genetics (formerly Invitae), Labcorp
Classification: Uncertain significance for Early-infantile DEE. Last evaluated: 2024-05-15. Review status: criteria provided, single submitter. Criteria: Invitae Variant Classification Sherloc (09022015). Collection method: clinical testing. Allele origin: germline.
Comment: This sequence change replaces asparagine, which is neutral and polar, with aspartic acid, which is acidic and polar, at codon 158 of the KCNH5 protein (p.Asn158Asp). This variant is present in population databases (rs767533990, gnomAD 0.007%). This variant has not been reported in the literature in individuals affected with KCNH5-related conditions. ClinVar contains an entry for this variant (Variation ID: 2073032). Advanced modeling of protein sequence and biophysical properties (such as structural, functional, and spatial information, amino acid conservation, physicochemical variation, residue mobility, and thermodynamic stability) performed at Invitae indicates that this missense variant is not expected to disrupt KCNH5 protein function with a negative predictive value of 80%. In summary, the available evidence is currently insufficient to determine the role of this variant in disease. Therefore, it has been classified as a Variant of Uncertain Significance.